The following is an entry in ClinVar:

NM_201253.3(CRB1):c.1689C>A (p.Ser563Arg)

Gene: CRB1 (crumbs cell polarity complex component 1; plus strand). Cytogenetic location: 1q31.3.
Variant type: single nucleotide variant.
Coding change: c.1689C>A on transcript NM_201253.3 (MANE Select); coding-DNA position 1689, C replaced by A.
Protein change: p.Ser563Arg; replaces serine 563 with arginine.
Molecular consequence: missense variant. On other transcripts: non-coding transcript variant (2).
Genome position (GRCh38, 1-based): chr1:197,421,517, C>A. VCF-style: chr1-197421517-C-A. GRCh37 (hg19) VCF-style: chr1-197390647-C-A.
Other names: c.1353C>A, p.Ser451Arg (NM_001193640.2); c.1482C>A, p.Ser494Arg (NM_001257965.2); c.1689C>A, p.Ser563Arg (NM_001257966.2); short protein forms S494R, S563R, S451R.
Identifiers: ClinVar variation 4526085 (VCV004526085.1).
Genomic context (GRCh38, chr1:197,421,517, plus strand): 5'-CTTATCAATTCAGGTCAATAATCAGTCAAAGGTGCTTCTGTTCATTTCCCACAACACCAG[C>A]GATGGAGAGTGGCATTTCGTGGAGGTAATATTTGCAGAGGCTGTGACCCTTACCTTAATC-3'
Protein context (NP_957705.1, residues 553-573): KVLLFISHNT[Ser563Arg]DGEWHFVEVI

ClinVar aggregate classification (germline): Uncertain significance (1 of 4 stars; one submission).

Submission:

Women's Health and Genetics/Laboratory Corporation of America, LabCorp
Classification: Uncertain significance. Last evaluated: 2025-07-08. Review status: criteria provided, single submitter. Criteria: LabCorp Variant Classification Summary - May 2015. Collection method: clinical testing. Allele origin: germline.
Comment: Variant summary: CRB1 c.1689C>A (p.Ser563Arg) results in a non-conservative amino acid change in the encoded protein sequence. Algorithms developed to predict the effect of missense changes on protein structure and function all suggest that this variant is likely to be disruptive. The variant was absent in 251258 control chromosomes (gnomAD). c.1689C>A has been observed in an individual affected with Leber congenital amaurosis (Talib_2021). These data indicate that the variant may be associated with disease. To our knowledge, no experimental evidence demonstrating an impact on protein function has been reported. The following publication has been ascertained in the context of this evaluation (PMID: 33579689). No submitters have cited clinical-significance assessments for this variant to ClinVar. Based on the evidence outlined above, the variant was classified as VUS-possibly pathogenic.

Literature cited by the submitters: PubMed 33579689.